The following is an entry in ClinVar:

ClinVar aggregate classification (germline): Benign. Review status: criteria provided, multiple submitters, no conflicts (2 of 4 stars). 4 submissions from 4 submitters: Benign (4). Last evaluated 2026-02-02.

Conditions:
Neurodevelopmental disorder with progressive spasticity and brain white matter abnormalities. Also called: CEREBRAL PALSY, SPASTIC QUADRIPLEGIC, 1. Identifiers: Orphanet 210141, Orphanet 641353, MedGen C5436628, MONDO:0033613, OMIM 619026.

Allele frequency attached by ClinVar (database versions not stated): gnomAD exomes 0.00357 and 0.00939; ExAC 0.01186; gnomAD 0.03813 and 0.04124; 1000 Genomes Project 0.04253; ESP Exome Variant Server 0.04375; TOPMed 0.04395; 1000 Genomes Project 30x 0.04606.
gnomAD v4.1: 11,279 of 1,613,908 alleles (0.7%); highest among the groups gnomAD compares: African/African-American, 13%; 695 homozygotes.

Submissions (4):

Labcorp Genetics (formerly Invitae), Labcorp
Classification: Benign for Neurodevelopmental disorder with progressive spasticity and brain white matter abnormalities. Last evaluated: 2026-02-02. Review status: criteria provided, single submitter. Criteria: Invitae Variant Classification Sherloc (09022015). Collection method: clinical testing. Allele origin: germline.

GeneDx
Classification: Benign. Last evaluated: 2021-06-09. Review status: criteria provided, single submitter. Criteria: GeneDx Variant Classification Process June 2021. Collection method: clinical testing. Allele origin: germline. Affected: yes.

Illumina Laboratory Services, Illumina
Classification: Benign. Last evaluated: 2018-01-13. Review status: criteria provided, single submitter. Criteria: ICSL Variant Classification Criteria 13 December 2019. Collection method: clinical testing. Allele origin: germline.
Comment: This variant was observed in the ICSL laboratory as part of a predisposition screen in an ostensibly healthy population. It had not been previously curated by ICSL or reported in the Human Gene Mutation Database (HGMD: prior to June 1st, 2018), and was therefore a candidate for classification through an automated scoring system. Utilizing variant allele frequency, disease prevalence and penetrance estimates, and inheritance mode, an automated score was calculated to assess if this variant is too frequent to cause the disease. Based on the score and internal cut-off values, a variant classified as benign is not then subjected to further curation. The score for this variant resulted in a classification of benign for this disease.

Breakthrough Genomics
Classification: Benign. Review status: criteria provided, single submitter. Criteria: ACMG Guidelines, 2015. Collection method: not provided. Allele origin: germline. Inheritance: Autosomal recessive inheritance. Affected: yes.

NM_000817.3(GAD1):c.1450C>T (p.Leu484=)

Gene: GAD1 (glutamate decarboxylase 1; plus strand). Cytogenetic location: 2q31.1.
Variant type: single nucleotide variant.
Coding change: c.1450C>T on transcript NM_000817.3 (MANE Select); coding-DNA position 1450, C replaced by T.
Protein change: p.Leu484=; no amino-acid change (leucine 484 retained).
Molecular consequence: synonymous variant.
Genome position (GRCh38, 1-based): chr2:170,857,054, C>T. VCF-style: chr2-170857054-C-T. GRCh37 (hg19) VCF-style: chr2-171713564-C-T.
Identifiers: ClinVar variation 332239 (VCV000332239.19), dbSNP rs769392, ClinGen allele CA1962958.